The following is an entry in ClinVar:

ClinVar aggregate classification (germline): Uncertain significance (1 of 4 stars; one submission).

Conditions:
Cerebral palsy, spastic quadriplegic, 2 (CPSQ2). Identifiers: Orphanet 210141, MedGen C2752061, MONDO:0013033, OMIM 612900.

gnomAD v4.1: 2 of 1,610,570 alleles (0.00012%); highest among the groups gnomAD compares: Non-Finnish European, 0.00017%; no homozygotes.

Submission:

Neuberg Centre For Genomic Medicine, NCGM
Classification: Uncertain significance for Cerebral palsy, spastic quadriplegic, 2. Review status: criteria provided, single submitter. Criteria: ACMG Guidelines, 2015. Collection method: clinical testing. Allele origin: germline. Inheritance: Autosomal dominant inheritance. Affected: yes.
Comment: The c.3333+1G>A splice donor variant in KANK1 gene has not been reported previously as a pathogenic variant nor as a benign variant, to our knowledge. The c.3333+1G>A variant is novel (not in any individuals) in gnomAD Exomes and 1000 Genomes.KANK1 deletions inherited from the paternal allele have been reported to be disease causing. The gene is tolerant to loss of function variants. Hence the variant has been classified as Uncertain Significance.

NM_015158.5(KANK1):c.3333+1G>A

Gene: KANK1 (KN motif and ankyrin repeat domains 1; plus strand). Cytogenetic location: 9p24.3.
Variant type: single nucleotide variant.
Coding change: c.3333+1G>A on transcript NM_015158.5 (MANE Select); the canonical splice donor site of the intron after coding-DNA position 3333, G replaced by A.
Molecular consequence: splice donor variant.
Genome position (GRCh38, 1-based): chr9:734,836, G>A. VCF-style: chr9-734836-G-A. GRCh37 (hg19) VCF-style: chr9-734836-G-A.
Other names: c.3333+1G>A (NM_001256876.3, NM_001354334.2, NM_001256877.3); c.2859+1G>A (NM_001354333.2, NM_001354335.2, NM_001354337.2 and 2 more transcripts); c.3093+1G>A (NM_001354331.2); c.3279+1G>A (NM_001354332.2); c.2565+1G>A (NM_001354336.2); c.2619+1G>A (NM_001354339.2, NM_001354343.2, NM_001354342.2); c.2805+1G>A (NM_001354338.2, NM_001354340.2, NM_001354344.2).
Identifiers: ClinVar variation 2584897 (VCV002584897.1), dbSNP rs2540511043, ClinGen allele CA372758245.
Genomic context (GRCh38, chr9:734,836, plus strand): 5'-GCATGCAACTTACTGAAAAATACTATAAATGACCCCAAAGCTTTGACCAGCAAAGATATG[G>A]TGAGTCTGACCTGCAAACACCATCCCCAGTGTGTACAAAGTGCATGAGTGGGTTCATTGT-3'